The following is an entry in ClinVar:

ClinVar aggregate classification (germline): Uncertain significance (1 of 4 stars; one submission).

Submission:

Labcorp Genetics (formerly Invitae), Labcorp
Classification: Uncertain significance. Last evaluated: 2022-11-24. Review status: criteria provided, single submitter. Criteria: Invitae Variant Classification Sherloc (09022015). Collection method: clinical testing. Allele origin: germline.
Comment: In summary, the available evidence is currently insufficient to determine the role of this variant in disease. Therefore, it has been classified as a Variant of Uncertain Significance. Variants that disrupt the consensus splice site are a relatively common cause of aberrant splicing (PMID: 17576681, 9536098). Algorithms developed to predict the effect of sequence changes on RNA splicing suggest that this variant may disrupt the consensus splice site. This variant has not been reported in the literature in individuals affected with MYLK3-related conditions. This variant is not present in population databases (gnomAD no frequency). This sequence change falls in intron 1 of the MYLK3 gene. It does not directly change the encoded amino acid sequence of the MYLK3 protein. It affects a nucleotide within the consensus splice site.

Literature cited by the submitters: PubMed 17576681; PubMed 9536098.

NM_182493.3(MYLK3):c.477+4G>A

Gene: MYLK3 (myosin light chain kinase 3; minus strand). Cytogenetic location: 16q11.2.
Variant type: single nucleotide variant.
Coding change: c.477+4G>A on transcript NM_182493.3 (MANE Select); 4 bases into the intron after coding-DNA position 477, G replaced by A.
Molecular consequence: intron variant.
Genome position (GRCh38, 1-based): chr16:46,747,713, C>T on the plus strand (G>A on the coding strand, the complement: MYLK3 is on the minus strand). VCF-style: chr16-46747713-C-T. GRCh37 (hg19) VCF-style: chr16-46781625-C-T.
Other names: c.-113-7566G>A (NM_001308301.1).
Identifiers: ClinVar variation 2816443 (VCV002816443.3), dbSNP rs754119339, ClinGen allele CA2739266744.
Genomic context (GRCh38, chr16:46,747,713, plus strand): 5'-CTGGCCAGTCTCCCACCAGGGCCGGGGCCTCCCATCCAGCCAGGGCAGGGAAGCAGGAAC[C>T]AACCTCCTCAGGGCTGTCACCTGGGCTGCCTCTCCTCCAGGGCACACGCCCCTGCATGAG-3'